The following is an entry in ClinVar:

ClinVar aggregate classification (germline): Uncertain significance (1 of 4 stars; one submission).

Allele frequency attached by ClinVar (database versions not stated): gnomAD exomes below 0.00001.
gnomAD v4.1: 2 of 1,613,942 alleles (0.00012%); highest among the groups gnomAD compares: Admixed American, 0.0033%; no homozygotes.

Submission:

Labcorp Genetics (formerly Invitae), Labcorp
Classification: Uncertain significance. Last evaluated: 2022-12-07. Review status: criteria provided, single submitter. Criteria: Invitae Variant Classification Sherloc (09022015). Collection method: clinical testing. Allele origin: germline.
Comment: Algorithms developed to predict the effect of missense changes on protein structure and function output the following: SIFT: "Deleterious"; PolyPhen-2: "Benign"; Align-GVGD: "Class C55". The serine amino acid residue is found in multiple mammalian species, which suggests that this missense change does not adversely affect protein function. This variant has not been reported in the literature in individuals affected with DSTYK-related conditions. This variant is present in population databases (no rsID available, gnomAD 0.003%). This sequence change replaces threonine, which is neutral and polar, with serine, which is neutral and polar, at codon 561 of the DSTYK protein (p.Thr561Ser). In summary, the available evidence is currently insufficient to determine the role of this variant in disease. Therefore, it has been classified as a Variant of Uncertain Significance.

NM_015375.3(DSTYK):c.1681A>T (p.Thr561Ser)

Gene: DSTYK (dual serine/threonine and tyrosine protein kinase; minus strand). Cytogenetic location: 1q32.1.
Variant type: single nucleotide variant.
Coding change: c.1681A>T on transcript NM_015375.3 (MANE Select); coding-DNA position 1681, A replaced by T.
Protein change: p.Thr561Ser; replaces threonine 561 with serine.
Molecular consequence: missense variant.
Genome position (GRCh38, 1-based): chr1:205,162,173, T>A on the plus strand (A>T on the coding strand, the complement: DSTYK is on the minus strand). VCF-style: chr1-205162173-T-A. GRCh37 (hg19) VCF-style: chr1-205131301-T-A.
Other names: c.1681A>T, p.Thr561Ser (NM_199462.3); short protein forms T561S.
Identifiers: ClinVar variation 2805709 (VCV002805709.3), dbSNP rs1342003682, ClinGen allele CA344395962.